The following is an entry in ClinVar:

ClinVar aggregate classification (germline): Likely pathogenic. Review status: criteria provided, multiple submitters, no conflicts (2 of 4 stars). 2 submissions from 2 submitters: Likely pathogenic (2). Last evaluated 2022-10-07.

Conditions:
Legg-Calve-Perthes disease. Also called: PERTHES DISEASE; Osteochondritis deformans; Coxa plana; Avascular necrosis of the capital femoral epiphysis. Identifiers: Orphanet 2380, MedGen C1442965, MONDO:0007885, OMIM 150600, HP:0005743.
Kniest dysplasia. Identifiers: Orphanet 485, MedGen C0265279, MONDO:0007987, OMIM 156550.
Achondrogenesis type II (ACG2). Also called: ACHONDROGENESIS, LANGER-SALDINO TYPE; CHONDROGENESIS IMPERFECTA. Identifiers: Orphanet 932, Orphanet 93296, MedGen C0220685, MONDO:0008702, OMIM 200610.
Avascular necrosis of femoral head, primary, 1 (ANFH1). Also called: Avascular necrosis of femoral head, primary. Identifiers: Orphanet 86820, MedGen C4551562, MONDO:0054550, OMIM 608805.
Spondyloepiphyseal dysplasia, Stanescu type. Also called: SED, STANESCU TYPE; SPONDYLOEPIMETAPHYSEAL DYSPLASIA, STANESCU TYPE. Identifiers: Orphanet 459051, MedGen C4225273, MONDO:0014701, OMIM 616583.
Stickler syndrome type 1 (STL1). Also called: ARTHROOPHTHALMOPATHY, HEREDITARY PROGRESSIVE; STICKLER SYNDROME, MEMBRANOUS VITREOUS TYPE; STICKLER SYNDROME, VITREOUS TYPE 1; COL2A1-Related Stickler Syndrome. Identifiers: Orphanet 828, Orphanet 90653, MedGen C2020284, MONDO:0007160, OMIM 108300.
Spondyloepimetaphyseal dysplasia, Strudwick type (SEMDSTWK). Also called: DAPPLED METAPHYSIS SYNDROME; STRUDWICK SYNDROME. Identifiers: Orphanet 93346, MedGen C0700635, MONDO:0008476, OMIM 184250.
Spondyloperipheral dysplasia. Also called: SPONDYLOPERIPHERAL DYSPLASIA WITH SHORT ULNA; Spondyloperipheral dysplasia-short ulna syndrome. Identifiers: Orphanet 1856, MedGen C0796173, MONDO:0010078, OMIM 271700.
Spondyloepiphyseal dysplasia with metatarsal shortening. Also called: Pseudorheumatoid dysplasia progressive, with hypoplastic toes; CZECH DYSPLASIA, METATARSAL TYPE; SPONDYLOEPIPHYSEAL DYSPLASIA WITH PRECOCIOUS OSTEOARTHRITIS. Identifiers: Orphanet 137678, MedGen C1836683, MONDO:0012206, OMIM 609162.
Multiple epiphyseal dysplasia, Beighton type. Identifiers: Orphanet 166011, MedGen C1851536, MONDO:0007562, OMIM 132450.
Vitreoretinopathy with phalangeal epiphyseal dysplasia (VPED). Identifiers: MedGen C1852989, MONDO:0031001, OMIM 619248.
Spondyloepiphyseal dysplasia congenita (SEDC). Also called: SED CONGENITA; SPONDYLOEPIPHYSEAL DYSPLASIA, CONGENITAL TYPE. Identifiers: Orphanet 94068, MedGen C2745959, MONDO:0008471, OMIM 183900.
Stickler syndrome, type I, nonsyndromic ocular. Also called: STICKLER SYNDROME, TYPE I, PREDOMINANTLY OCULAR; STICKLER SYNDROME, ATYPICAL. Identifiers: MedGen C1836080, MONDO:0012287, OMIM 609508.
Platyspondylic dysplasia, Torrance type (PLSDT). Identifiers: Orphanet 85166, MedGen C1835437, MONDO:0007895, OMIM 151210.
Namaqualand hip dysplasia (OSCDP). Also called: Mild spondyloepiphyseal dysplasia due to COL2A1 mutation with early-onset osteoarthritis. Identifiers: Orphanet 93279, MedGen C0432214, MONDO:0011496, OMIM 604864.

Submissions (2):

Labcorp Genetics (formerly Invitae), Labcorp
Classification: Likely pathogenic. Last evaluated: 2022-10-07. Review status: criteria provided, single submitter. Criteria: Invitae Variant Classification Sherloc (09022015). Collection method: clinical testing. Allele origin: germline.
Comment: This variant has not been reported in the literature in individuals affected with COL2A1-related conditions. This sequence change replaces glycine, which is neutral and non-polar, with serine, which is neutral and polar, at codon 540 of the COL2A1 protein (p.Gly540Ser). This variant is not present in population databases (gnomAD no frequency). ClinVar contains an entry for this variant (Variation ID: 1516689). Advanced modeling of protein sequence and biophysical properties (such as structural, functional, and spatial information, amino acid conservation, physicochemical variation, residue mobility, and thermodynamic stability) performed at Invitae indicates that this missense variant is expected to disrupt COL2A1 protein function. This variant disrupts the triple helix domain of COL2A1. Glycine residues within the Gly-Xaa-Yaa repeats of the triple helix domain are required for the structure and stability of fibrillar collagens (PMID: 7695699, 8218237, 19344236). In COL2A1, variants affecting these glycine residues are significantly enriched in individuals with disease (PMID: 9016532, 17078022) compared to the general population (ExAC). In summary, the currently available evidence indicates that the variant is pathogenic, but additional data are needed to prove that conclusively. Therefore, this variant has been classified as Likely Pathogenic.

Juno Genomics, Hangzhou Juno Genomics, Inc
Classification: Likely pathogenic for Multiple epiphyseal dysplasia, Beighton type; Vitreoretinopathy with phalangeal epiphyseal dysplasia; Achondrogenesis type II; Avascular necrosis of femoral head, primary, 1; Spondyloepiphyseal dysplasia with metatarsal shortening; Kniest dysplasia; Legg-Calve-Perthes disease; Namaqualand hip dysplasia; Platyspondylic dysplasia, Torrance type; Spondyloepiphyseal dysplasia congenita; Spondyloepimetaphyseal dysplasia, Strudwick type; Spondyloepiphyseal dysplasia, Stanescu type; Spondyloperipheral dysplasia; Stickler syndrome type 1; Stickler syndrome, type I, nonsyndromic ocular. Review status: criteria provided, single submitter. Criteria: ACMG Guidelines, 2015. Collection method: clinical testing. Allele origin: germline. Affected: yes.
Comment: Absent from controls (or at extremely low frequency if recessive) in Genome Aggregation Database, Exome Sequencing Project, 1000 Genomes Project, or Exome Aggregation Consortium.;Missense variant in a gene that has a low rate of benign missense variation and where missense variants are a common mechanism of disease.;Multiple lines of computational evidence support a deleterious effect on the gene or gene product (conservation, evolutionary, splicing impact, etc).;Located in a mutational hot spot and/or critical and well-established functional domain (e.g. active site of an enzyme) without benign variation.

Literature cited by the submitters: PubMed 7695699 (cited by Labcorp Genetics (formerly Invitae), Labcorp); PubMed 8218237 (cited by Labcorp Genetics (formerly Invitae), Labcorp); PubMed 19344236 (cited by Labcorp Genetics (formerly Invitae), Labcorp); PubMed 9016532 (cited by Labcorp Genetics (formerly Invitae), Labcorp); PubMed 17078022 (cited by Labcorp Genetics (formerly Invitae), Labcorp).

NM_001844.5(COL2A1):c.1618G>A (p.Gly540Ser)

Gene: COL2A1 (collagen type II alpha 1 chain; minus strand). Cytogenetic location: 12q13.11.
Variant type: single nucleotide variant.
Coding change: c.1618G>A on transcript NM_001844.5 (MANE Select); coding-DNA position 1618, G replaced by A.
Protein change: p.Gly540Ser; replaces glycine 540 with serine.
Molecular consequence: missense variant.
Genome position (GRCh38, 1-based): chr12:47,985,790, C>T on the plus strand (G>A on the coding strand, the complement: COL2A1 is on the minus strand). VCF-style: chr12-47985790-C-T. GRCh37 (hg19) VCF-style: chr12-48379573-C-T.
Other names: c.1411G>A, p.Gly471Ser (NM_033150.3); short protein forms G471S, G540S.
Identifiers: ClinVar variation 1516689 (VCV001516689.10), dbSNP rs2136567996, ClinGen allele CA384551630.